The following is an entry in ClinVar:

ClinVar aggregate classification (germline): Uncertain significance (1 of 4 stars; one submission).

Conditions:
Hereditary pancreatitis (PCTT). Also called: Hereditary chronic pancreatitis; PRSS1-Related Hereditary Pancreatitis. Identifiers: Orphanet 676, MedGen C0238339, MONDO:0008185, OMIM 167800.

Submission:

Ambry Genetics
Classification: Uncertain significance for Hereditary pancreatitis. Last evaluated: 2025-11-29. Review status: criteria provided, single submitter. Criteria: Ambry Variant Classification Scheme 2023. Collection method: clinical testing. Allele origin: germline.
Comment: The p.L50M variant (also known as c.148C>A) is located in coding exon 3 of the CPA1 gene. The leucine at codon 50 is replaced by methionine, an amino acid with highly similar properties. This change occurs in the first base pair of coding exon 3. This amino acid position is conserved. In addition, this alteration is predicted to be tolerated by in silico analysis. Based on the available evidence, the clinical significance of this variant remains unclear.

NM_001868.4(CPA1):c.148C>A (p.Leu50Met)

Gene: CPA1 (carboxypeptidase A1; plus strand). Cytogenetic location: 7q32.2.
Variant type: single nucleotide variant.
Coding change: c.148C>A on transcript NM_001868.4 (MANE Select); coding-DNA position 148, C replaced by A.
Protein change: p.Leu50Met; replaces leucine 50 with methionine.
Molecular consequence: missense variant.
Genome position (GRCh38, 1-based): chr7:130,381,630, C>A. VCF-style: chr7-130381630-C-A. GRCh37 (hg19) VCF-style: chr7-130021471-C-A.
Other names: short protein forms L50M.
Identifiers: ClinVar variation 4559730 (VCV004559730.1).